The following is an entry in ClinVar:

ClinVar aggregate classification (germline): Uncertain significance. Review status: criteria provided, multiple submitters, no conflicts (2 of 4 stars). 3 submissions from 3 submitters: Uncertain significance (3). Last evaluated 2024-06-18.

Conditions:
Inborn genetic diseases. Identifiers: MedGen C0950123, MeSH D030342.
Hereditary sensory neuropathy-deafness-dementia syndrome. Also called: NEUROPATHY, HEREDITARY SENSORY, WITH HEARING LOSS AND DEMENTIA; Hereditary sensory neuropathy type IE; Hereditary Sensory and Autonomic Neuropathy Type 1E (HSAN1E); HSN IE. Identifiers: Orphanet 456318, MedGen C3279885, MONDO:0013584, OMIM 614116.

Allele frequency attached by ClinVar (database versions not stated): gnomAD 0.00001; TOPMed 0.00001.
gnomAD v4.1: 4 of 1,609,584 alleles (0.00025%); highest among the groups gnomAD compares: East Asian, 0.0022%; no homozygotes.

Submissions (3):

GeneDx
Classification: Uncertain significance. Last evaluated: 2024-06-18. Review status: criteria provided, single submitter. Criteria: GeneDx Variant Classification Process June 2021. Collection method: clinical testing. Allele origin: germline. Affected: yes.
Comment: Not observed at significant frequency in large population cohorts (gnomAD); In silico analysis indicates that this missense variant does not alter protein structure/function; In silico analysis suggests this variant may impact gene splicing. In the absence of RNA/functional studies, the actual effect of this sequence change is unknown.; Has not been previously published as pathogenic or benign to our knowledge

Labcorp Genetics (formerly Invitae), Labcorp
Classification: Uncertain significance for Hereditary sensory neuropathy-deafness-dementia syndrome. Last evaluated: 2023-07-28. Review status: criteria provided, single submitter. Criteria: Invitae Variant Classification Sherloc (09022015). Collection method: clinical testing. Allele origin: germline.
Comment: Algorithms developed to predict the effect of sequence changes on RNA splicing suggest that this variant may create or strengthen a splice site. Advanced modeling of protein sequence and biophysical properties (such as structural, functional, and spatial information, amino acid conservation, physicochemical variation, residue mobility, and thermodynamic stability) performed at Invitae indicates that this missense variant is not expected to disrupt DNMT1 protein function. ClinVar contains an entry for this variant (Variation ID: 1739305). This variant has not been reported in the literature in individuals affected with DNMT1-related conditions. This variant is present in population databases (no rsID available, gnomAD 0.06%). This sequence change replaces arginine, which is basic and polar, with glutamine, which is neutral and polar, at codon 1442 of the DNMT1 protein (p.Arg1442Gln). In summary, the available evidence is currently insufficient to determine the role of this variant in disease. Therefore, it has been classified as a Variant of Uncertain Significance.

Ambry Genetics
Classification: Uncertain significance for Inborn genetic diseases. Last evaluated: 2022-03-03. Review status: criteria provided, single submitter. Criteria: Ambry Variant Classification Scheme 2023. Collection method: clinical testing. Allele origin: germline.
Comment: The p.R1426Q variant (also known as c.4277G>A), located in coding exon 36 of the DNMT1 gene, results from a G to A substitution at nucleotide position 4277. The arginine at codon 1426 is replaced by glutamine, an amino acid with highly similar properties. This amino acid position is highly conserved in available vertebrate species. In addition, this alteration is predicted to be tolerated by in silico analysis. Since supporting evidence is limited at this time, the clinical significance of this alteration remains unclear.

NM_001130823.3(DNMT1):c.4325G>A (p.Arg1442Gln)

Gene: DNMT1 (DNA methyltransferase 1; minus strand). Cytogenetic location: 19p13.2.
Variant type: single nucleotide variant.
Coding change: c.4325G>A on transcript NM_001130823.3 (MANE Select); coding-DNA position 4325, G replaced by A.
Protein change: p.Arg1442Gln; replaces arginine 1442 with glutamine.
Molecular consequence: missense variant.
Genome position (GRCh38, 1-based): chr19:10,137,249, C>T on the plus strand (G>A on the coding strand, the complement: DNMT1 is on the minus strand). VCF-style: chr19-10137249-C-T. GRCh37 (hg19) VCF-style: chr19-10247925-C-T.
Other names: c.4277G>A, p.Arg1426Gln (NM_001318730.2, NM_001379.4); c.3962G>A, p.Arg1321Gln (NM_001318731.2); short protein forms R1426Q, R1442Q, R1321Q.
Identifiers: ClinVar variation 1739305 (VCV001739305.6), dbSNP rs1187348790, ClinGen allele CA403969823.
Genomic context (GRCh38, chr19:10,137,249, plus strand): 5'-AGCCGCACCTCGATGTTGGGCAGATCGCGCCAGTCTGACCCTGGGGCCAAGGGGATGTGC[C>T]GCATGCGGGCAGCCACCAATGCACTCATGTCCTGAAAGAGTGTGGGGGGCCCAGCTGTCA-3'
Protein context (NP_001124295.1, residues 1432-1452): DMSALVAARM[Arg1442Gln]HIPLAPGSDW